The following is an entry in ClinVar:

NM_000059.4(BRCA2):c.3617G>T (p.Gly1206Val)

Gene: BRCA2 (BRCA2 DNA repair associated; plus strand). Cytogenetic location: 13q13.1.
Variant type: single nucleotide variant.
Coding change: c.3617G>T on transcript NM_000059.4 (MANE Select); coding-DNA position 3617, G replaced by T.
Protein change: p.Gly1206Val; replaces glycine 1206 with valine.
Molecular consequence: missense variant. On other transcripts: non-coding transcript variant (1), intron variant (2).
Genome position (GRCh38, 1-based): chr13:32,337,972, G>T. VCF-style: chr13-32337972-G-T. GRCh37 (hg19) VCF-style: chr13-32912109-G-T.
Other names: c.3617G>T, p.Gly1206Val (NM_001406719.1, NM_001406720.1, NM_001432077.1); c.1909+4585G>T (NM_001406721.1); c.425-6586G>T (NM_001406722.1); short protein forms G1206V.
Identifiers: ClinVar variation 3825409 (VCV003825409.1).

ClinVar aggregate classification (germline): Uncertain significance (1 of 4 stars; one submission).

Conditions:
Hereditary cancer-predisposing syndrome. Also called: Hereditary neoplastic syndrome; Neoplastic Syndromes, Hereditary; Tumor predisposition; Hereditary Cancer Syndrome. Identifiers: Orphanet 140162, MedGen C0027672, MeSH D009386, MONDO:0015356.

gnomAD v4.1: 2 of 1,613,710 alleles (0.00012%); highest among the groups gnomAD compares: South Asian, 0.0011%; no homozygotes.

Submission:

Ambry Genetics
Classification: Uncertain significance for Hereditary cancer-predisposing syndrome. Last evaluated: 2024-12-29. Review status: criteria provided, single submitter. Criteria: Ambry Variant Classification Scheme 2023. Collection method: clinical testing. Allele origin: germline.
Comment: The p.G1206V variant (also known as c.3617G>T), located in coding exon 10 of the BRCA2 gene, results from a G to T substitution at nucleotide position 3617. The glycine at codon 1206 is replaced by valine, an amino acid with dissimilar properties. This amino acid position is conserved. In addition, this alteration is predicted to be tolerated by in silico analysis. Based on the available evidence, the clinical significance of this variant remains unclear.